The following is an entry in ClinVar:

ClinVar aggregate classification (germline): Likely benign. Review status: criteria provided, single submitter (1 of 4 stars). 2 submissions from 2 submitters: Likely benign (1). 1 of the submissions does not count toward it. Last evaluated 2024-11-26.

Conditions:
BFSP1-related disorder. Also called: BFSP1-related condition.

Allele frequency attached by ClinVar (database versions not stated): 1000 Genomes Project 0.00080; 1000 Genomes Project 30x 0.00156; TOPMed 0.00216; gnomAD 0.00227; ExAC 0.01585.
gnomAD v4.1: 4,718 of 1,382,782 alleles (0.34%); highest among the groups gnomAD compares: Middle Eastern, 0.43%; 11 homozygotes.

Submissions (2):

Blueprint Genetics
Classification: Likely benign. Last evaluated: 2024-11-26. Review status: criteria provided, single submitter. Criteria: ACMG Guidelines, 2015. Collection method: clinical testing. Allele origin: germline.

PreventionGenetics, part of Exact Sciences
Classification: Likely benign for BFSP1-related condition. Last evaluated: 2022-06-08. Review status: no assertion criteria provided. Collection method: clinical testing. Allele origin: germline. Not counted in ClinVar's aggregate classification.
Comment: This variant is classified as likely benign based on ACMG/AMP sequence variant interpretation guidelines (Richards et al. 2015 PMID: 25741868, with internal and published modifications).

NM_001195.5(BFSP1):c.106G>T (p.Ala36Ser)

Gene: BFSP1 (beaded filament structural protein 1; minus strand). Cytogenetic location: 20p12.1.
Variant type: single nucleotide variant.
Coding change: c.106G>T on transcript NM_001195.5 (MANE Select); coding-DNA position 106, G replaced by T.
Protein change: p.Ala36Ser; replaces alanine 36 with serine.
Molecular consequence: missense variant. On other transcripts: intron variant (4).
Genome position (GRCh38, 1-based): chr20:17,531,224, C>A on the plus strand (G>T on the coding strand, the complement: BFSP1 is on the minus strand). VCF-style: chr20-17531224-C-A. GRCh37 (hg19) VCF-style: chr20-17511869-C-A.
Other names: c.106G>T, p.Ala36Ser (NM_001424338.1); c.-40-6316G>T (NM_001278608.2, NM_001278606.2); c.45-6316G>T (NM_001278607.2); c.3-6316G>T (NM_001161705.2); short protein forms A36S.
Identifiers: ClinVar variation 3039424 (VCV003039424.3), dbSNP rs561046384, ClinGen allele CA9772391.